The following is an entry in ClinVar:

NM_177986.5(DSG4):c.2293A>G (p.Thr765Ala)

Genes: DSG1-AS1 (DSG1 antisense RNA 1; minus strand), DSG4 (desmoglein 4; plus strand). Cytogenetic location: 18q12.1.
Variant type: single nucleotide variant.
Coding change: c.2293A>G on transcript NM_177986.5 (MANE Select); coding-DNA position 2293, A replaced by G.
Protein change: p.Thr765Ala; replaces threonine 765 with alanine.
Molecular consequence: missense variant.
Genome position (GRCh38, 1-based): chr18:31,411,386, A>G. VCF-style: chr18-31411386-A-G. GRCh37 (hg19) VCF-style: chr18-28991349-A-G.
Other names: c.2350A>G, p.Thr784Ala (NM_001134453.3); short protein forms T765A, T784A.
Identifiers: ClinVar variation 326446 (VCV000326446.14), dbSNP rs61734847, ClinGen allele CA8927286.
Genomic context (GRCh38, chr18:31,411,386, plus strand): 5'-ATGGCCGCAGGGGCCGCAGGAGCCTCAGGGGCCGCAAGGAAGAGGAGCTCTACCATGGGA[A>G]CCCTGCGGGACTACGCTGACGCAGACATCAACATGGCTTTCTTGGACAGCTACTTCTCGG-3'
Protein context (NP_817123.1, residues 755-775): AARKRSSTMG[Thr765Ala]LRDYADADIN

ClinVar aggregate classification (germline): Benign/Likely benign. Review status: criteria provided, multiple submitters, no conflicts (2 of 4 stars). 3 submissions from 3 submitters: Benign (1); Likely benign (2). Last evaluated 2026-01-27.

Conditions:
Hypotrichosis 6 (HYPT6). Also called: HYPOTRICHOSIS, LOCALIZED, AUTOSOMAL RECESSIVE 1; MONILETHRIX-LIKE HYPOTRICHOSIS. Identifiers: Orphanet 55654, MedGen C1842839, MONDO:0011932, OMIM 607903.

Allele frequency attached by ClinVar (database versions not stated): gnomAD exomes 0.00176 and 0.00479; ExAC 0.00616; 1000 Genomes Project 0.01757; gnomAD 0.01902 and 0.02068; TOPMed 0.02288; ESP Exome Variant Server 0.02391.
gnomAD v4.1: 5,559 of 1,613,484 alleles (0.34%); highest among the groups gnomAD compares: African/African-American, 6.7%; 176 homozygotes.

Submissions (3):

Labcorp Genetics (formerly Invitae), Labcorp
Classification: Benign. Last evaluated: 2026-01-27. Review status: criteria provided, single submitter. Criteria: Invitae Variant Classification Sherloc (09022015). Collection method: clinical testing. Allele origin: germline.

Illumina Laboratory Services, Illumina
Classification: Likely benign for Hypotrichosis 6. Last evaluated: 2017-04-28. Review status: criteria provided, single submitter. Criteria: ICSL Variant Classification Criteria 13 December 2019. Collection method: clinical testing. Allele origin: germline.
Comment: This variant was observed as part of a predisposition screen in an ostensibly healthy population. A literature search was performed for the gene, cDNA change, and amino acid change (where applicable). No publications were found based on this search. Allele frequency data from public databases allowed determination this variant is unlikely to cause disease. Therefore, this variant is classified as likely benign.

Breakthrough Genomics
Classification: Likely benign. Review status: criteria provided, single submitter. Criteria: ACMG Guidelines, 2015. Collection method: not provided. Allele origin: germline. Inheritance: Autosomal recessive inheritance. Affected: yes.